The following is an entry in ClinVar:

ClinVar aggregate classification (germline): Uncertain significance (1 of 4 stars; one submission).

Conditions:
Beck-Fahrner syndrome (BEFAHRS). Identifiers: Orphanet 684216, MedGen C5394097, MONDO:0032922, OMIM 618798.

Submission:

3billion
Classification: Uncertain significance for Beck-Fahrner syndrome. Last evaluated: 2025-06-19. Review status: criteria provided, single submitter. Criteria: ACMG Guidelines, 2015. Collection method: clinical testing. Allele origin: germline. Affected: yes.
Comment: The variant is not observed in the gnomAD v4.1.0 dataset. Predicted Consequence/Location: Intron variant In silico tools predict the variant to alter splicing and produce an abnormal transcript [SpliceAI: 0.49 (>=0.2, moderate evidence for spliceogenicity)]. Therefore, this variant is classified as VUS according to the recommendation of ACMG/AMP guideline.

NM_001287491.2(TET3):c.2495-3671G>A

Gene: TET3 (tet methylcytosine dioxygenase 3; plus strand). Cytogenetic location: 2p13.1.
Variant type: single nucleotide variant.
Coding change: c.2495-3671G>A on transcript NM_001287491.2 (MANE Select); 3671 bases into the intron before coding-DNA position 2495, G replaced by A.
Molecular consequence: intron variant.
Genome position (GRCh38, 1-based): chr2:74,069,878, G>A. VCF-style: chr2-74069878-G-A. GRCh37 (hg19) VCF-style: chr2-74297005-G-A.
Other names: c.2216-3671G>A (NM_001366022.1).
Identifiers: ClinVar variation 4856213 (VCV004856213.1).